The following is an entry in ClinVar:

ClinVar aggregate classification (germline): Pathogenic/Likely pathogenic. Review status: criteria provided, multiple submitters, no conflicts (2 of 4 stars). 6 submissions from 6 submitters: Pathogenic (2); Likely pathogenic (1). 3 of the submissions do not count toward it. Last evaluated 2025-02-27.

Conditions:
TUBB4A-related disorder. Also called: TUBB4A-related condition.
Inborn genetic diseases. Identifiers: MedGen C0950123, MeSH D030342.
Leukodystrophy, hypomyelinating, 6. Also called: Hypomyelination with Atrophy of Basal Ganglia and Cerebellum (H-ABC); TUBB4A-Associated Leukodystrophy; LEUKODYSTROPHY, HYPOMYELINATING, WITH ATROPHY OF THE BASAL GANGLIA AND CEREBELLUM. Identifiers: Orphanet 139441, MedGen C2676244, MONDO:0012905, OMIM 612438.

Submissions (6):

3billion
Classification: Pathogenic for Leukodystrophy, hypomyelinating, 6. Last evaluated: 2025-02-27. Review status: criteria provided, single submitter. Criteria: ACMG Guidelines, 2015. Collection method: clinical testing. Allele origin: germline. Affected: yes.
Comment: The variant is not observed in the gnomAD v4.1.0 dataset. Predicted Consequence/Location: Missense variant. Missense changes are a common disease-causing mechanism. In silico tool predictions suggest damaging effect of the variant on gene or gene product [REVEL: 0.92 (>=0.6, sensitivity 0.68 and specificity 0.92); 3Cnet: 1.00 (> 0.75, sensitivity 0.96 and precision 0.92)]. The same nucleotide change resulting in the same amino acid change has been previously reported as pathogenic/likely pathogenic with strong evidence (ClinVar ID: VCV000135659 /PMID: 24742798). The variant has been previously reported as de novo in a similarly affected individual (PMID: 24742798). Therefore, this variant is classified as Pathogenic according to the recommendation of ACMG/AMP guideline.

Labcorp Genetics (formerly Invitae), Labcorp
Classification: Likely pathogenic for Leukodystrophy, hypomyelinating, 6. Last evaluated: 2021-04-17. Review status: criteria provided, single submitter. Criteria: Invitae Variant Classification Sherloc (09022015). Collection method: clinical testing. Allele origin: germline.
Comment: This sequence change replaces arginine with leucine at codon 156 of the TUBB4A protein (p.Arg156Leu). The arginine residue is highly conserved and there is a moderate physicochemical difference between arginine and leucine. This variant is not present in population databases (ExAC no frequency). This variant has been observed in individual(s) with TUBB4A-related conditions (PMID: 24742798, 26795593). In at least one individual the variant was observed to be de novo. ClinVar contains an entry for this variant (Variation ID: 135659). Experimental studies have shown that this variant affects TUBB4A protein function (PMID: 28275661). In summary, the currently available evidence indicates that the variant is pathogenic, but additional data are needed to prove that conclusively. Therefore, this variant has been classified as Likely Pathogenic.

Ambry Genetics
Classification: Pathogenic for Inborn genetic diseases. Last evaluated: 2014-10-29. Review status: criteria provided, single submitter. Criteria: Ambry Variant Classification Scheme 2023. Collection method: clinical testing. Allele origin: germline.
Comment: The c.467G>T (p.R156L) alteration is located in exon 4 (coding exon 4) of the TUBB4A gene. This alteration results from a G to T substitution at nucleotide position 467, causing the arginine (R) at amino acid position 156 to be replaced by a leucine (L). The alteration is not observed in healthy cohorts:_x000D_ Based on data from the NHLBI Exome Sequencing Project (ESP), the TUBB4A c.467G>T alteration was not observed among 6,503 individuals tested. Allele frequency data for this nucleotide position are not currently available from the 1000 Genomes Project and the alteration is not currently listed in the Database of Single Nucleotide Polymorphisms (dbSNP)._x000D_ Though some variants may appear to be rare due to database-specific ethnic underrepresentation, rare missense alleles commonly exhibit a deleterious effect on protein function (Kryukov, 2007; Tennessen, 2012). IF USED, PULL THESE INTO REFERENCES:_x000D_ Kryukov GV, et al. (2007) Am J Hum Genet 80:727-739. Tennessen JA, et al. (2012) Science 337(64):64-69. The altered amino acid is conserved throughout evolution:_x000D_ The p.R156 amino acid is completely conserved in available vertebrate species. The amino acid is located in a functionally important protein domain:_x000D_ The p.R156L amino acid is located within the H4 a-helix of the globular N-terminal nucleotide binding domain of the tubulin b-4A protein (Lowe, 2001). The alteration is predicted deleterious by in silico models:_x000D_ The p.R156L alteration is predicted to be probably damaging by Polyphen and deleterious by SIFT in silico analyses. Based on the available evidence, this alteration is classified as pathogenic.

PreventionGenetics, part of Exact Sciences
Classification: Pathogenic for TUBB4A-related condition. Last evaluated: 2024-02-20. Review status: no assertion criteria provided. Collection method: clinical testing. Allele origin: germline. Not counted in ClinVar's aggregate classification.
Comment: The TUBB4A c.467G>T variant is predicted to result in the amino acid substitution p.Arg156Leu. This variant has been reported as de novo in an individual with hypotonia, nystagmus, and hypomyelination (Purnell et al. 2014. PubMed ID: 24742798), de novo in an individual with unclassified epilepsy (Table S3, Helbig et al 2016. PubMed ID: 26795593), and with unknown inheritance in two individuals with hypomyelination (Table S1, Gavazzi et al. 2021. PubMed ID: 34514881). This variant has not been reported in a large population database, indicating this variant is rare. This variant is interpreted as pathogenic.

OMIM
Classification: Pathogenic for LEUKODYSTROPHY, HYPOMYELINATING, 6. Last evaluated: 2014-06-01. Review status: no assertion criteria provided. Collection method: literature only. Allele origin: germline. Not counted in ClinVar's aggregate classification.

GeneReviews
No classification provided. Condition: Leukodystrophy, hypomyelinating, 6. Review status: no classification provided. Collection method: literature only. Allele origin: germline. Affected: yes. Not counted in ClinVar's aggregate classification.

Literature cited by the submitters: PubMed 24742798 (cited by 4 submitters); PubMed 26795593 (cited by Labcorp Genetics (formerly Invitae), Labcorp); PubMed 28275661 (cited by Labcorp Genetics (formerly Invitae), Labcorp); NCBI Bookshelf NBK395611 (cited by GeneReviews).

NM_006087.4(TUBB4A):c.467G>T (p.Arg156Leu)

Gene: TUBB4A (tubulin beta 4A class IVa; minus strand). Cytogenetic location: 19p13.3.
Variant type: single nucleotide variant.
Coding change: c.467G>T on transcript NM_006087.4 (MANE Select); coding-DNA position 467, G replaced by T.
Protein change: p.Arg156Leu; replaces arginine 156 with leucine.
Molecular consequence: missense variant.
Genome position (GRCh38, 1-based): chr19:6,496,032, C>A on the plus strand (G>T on the coding strand, the complement: TUBB4A is on the minus strand). VCF-style: chr19-6496032-C-A. GRCh37 (hg19) VCF-style: chr19-6496043-C-A.
Other names: c.620G>T, p.Arg207Leu (NM_001289123.2); c.602G>T, p.Arg201Leu (NM_001289127.2); c.467G>T, p.Arg156Leu (NM_001289129.2); c.251G>T, p.Arg84Leu (NM_001289130.2, NM_001289131.2); short protein forms R156L, R207L, R201L, R84L.
Identifiers: ClinVar variation 135659 (VCV000135659.79), dbSNP rs587777429, ClinGen allele CA163116.